The following is an entry in ClinVar:

ClinVar aggregate classification (germline): Uncertain significance (1 of 4 stars; one submission).

Conditions:
Tumor predisposition syndrome 3 (TPDS3). Also called: Glioma susceptibility 9; LONG TELOMERE SYNDROME, POT1-RELATED; POT1 Tumor Predisposition; Melanoma, cutaneous malignant, susceptibility to, 10. Identifiers: Orphanet 618, MedGen C4014476, MONDO:0014368, OMIM 615848.

Submission:

Labcorp Genetics (formerly Invitae), Labcorp
Classification: Uncertain significance for Tumor predisposition syndrome 3. Last evaluated: 2024-10-29. Review status: criteria provided, single submitter. Criteria: Invitae Variant Classification Sherloc (09022015). Collection method: clinical testing. Allele origin: germline.
Comment: This sequence change replaces arginine, which is basic and polar, with lysine, which is basic and polar, at codon 240 of the POT1 protein (p.Arg240Lys). This variant is not present in population databases (gnomAD no frequency). This variant has not been reported in the literature in individuals affected with POT1-related conditions. Invitae Evidence Modeling of protein sequence and biophysical properties (such as structural, functional, and spatial information, amino acid conservation, physicochemical variation, residue mobility, and thermodynamic stability) indicates that this missense variant is not expected to disrupt POT1 protein function with a negative predictive value of 80%. In summary, the available evidence is currently insufficient to determine the role of this variant in disease. Therefore, it has been classified as a Variant of Uncertain Significance.

NM_015450.3(POT1):c.719G>A (p.Arg240Lys)

Gene: POT1 (protection of telomeres 1; minus strand). Cytogenetic location: 7q31.33.
Variant type: single nucleotide variant.
Coding change: c.719G>A on transcript NM_015450.3 (MANE Select); coding-DNA position 719, G replaced by A.
Protein change: p.Arg240Lys; replaces arginine 240 with lysine.
Molecular consequence: missense variant. On other transcripts: non-coding transcript variant (3).
Genome position (GRCh38, 1-based): chr7:124,853,122, C>T on the plus strand (G>A on the coding strand, the complement: POT1 is on the minus strand). VCF-style: chr7-124853122-C-T. GRCh37 (hg19) VCF-style: chr7-124493176-C-T.
Other names: c.326G>A, p.Arg109Lys (NM_001042594.2); short protein forms R109K, R240K.
Identifiers: ClinVar variation 3668298 (VCV003668298.2).